The following is an entry in ClinVar:

NM_000372.5(TYR):c.1130T>A (p.Val377Glu)

Gene: TYR (tyrosinase; plus strand). Cytogenetic location: 11q14.3.
Variant type: single nucleotide variant.
Coding change: c.1130T>A on transcript NM_000372.5 (MANE Select); coding-DNA position 1130, T replaced by A.
Protein change: p.Val377Glu; replaces valine 377 with glutamic acid.
Molecular consequence: missense variant.
Genome position (GRCh38, 1-based): chr11:89,227,916, T>A. VCF-style: chr11-89227916-T-A. GRCh37 (hg19) VCF-style: chr11-88961084-T-A.
Other names: short protein forms V377E.
Identifiers: ClinVar variation 2704873 (VCV002704873.6), dbSNP rs2496618758, ClinGen allele CA382028735.

ClinVar aggregate classification (germline): Conflicting classifications of pathogenicity. Review status: criteria provided, conflicting classifications (1 of 4 stars). 3 submissions from 3 submitters: Pathogenic (1); Likely pathogenic (1); Uncertain significance (1). Last evaluated 2026-08-10.

Conditions:
Oculocutaneous albinism type 1. Also called: Albinism 1; ALBINISM I. Identifiers: Orphanet 352731, MedGen C0268494, MONDO:0018135. Disease mechanism: loss of function.
SKIN/HAIR/EYE PIGMENTATION 3, LIGHT/DARK SKIN (SHEP3). Also called: SKIN/HAIR/EYE PIGMENTATION, VARIATION IN, 3; SKIN/HAIR/EYE PIGMENTATION 3, BLUE/GREEN EYE COLOR; SKIN/HAIR/EYE PIGMENTATION 3, FRECKLING; EYE COLOR 1; EYE COLOR, GREEN/BLUE. Identifiers: MedGen C2677190, OMIM 601800.
Oculocutaneous albinism type 1A (OCA1A). Also called: Albinism, oculocutaneous, type IA. Identifiers: Orphanet 352731, Orphanet 79431, MedGen C4551504, MONDO:0008745, OMIM 203100. Disease mechanism: loss of function.
Oculocutaneous albinism type 1B (OCA1B). Also called: ALBINISM, OCULOCUTANEOUS, TYPE IB; ALBINISM, YELLOW MUTANT TYPE; YELLOW ALBINISM. Identifiers: Orphanet 352731, Orphanet 352737, Orphanet 79434, MedGen C1847024, MONDO:0011749, OMIM 606952.

Submissions (3):

Myriad Genetics, Inc.
Classification: Likely pathogenic for Oculocutaneous albinism type 1. Last evaluated: 2026-08-10. Review status: criteria provided, single submitter. Criteria: Myriad Autosomal Dominant, Autosomal Recessive and X-Linked Classification Criteria (2023). Collection method: clinical testing. Allele origin: unknown.
Comment: NM_000372.4(TYR):c.1130T>A(V377E) is a missense variant classified as likely pathogenic in the context of oculocutaneous albinism, TYR-related. V377E has been observed in cases with relevant disease (PMID: 34838614, 37471664). Relevant functional assessments of this variant are not available in the literature. V377E has not been observed in referenced population frequency databases. In summary, NM_000372.4(TYR):c.1130T>A(V377E) is a missense variant that has been observed more frequently in cases with the relevant disease than in healthy populations. Please note: this variant was assessed in the context of healthy population screening.

Labcorp Genetics (formerly Invitae), Labcorp
Classification: Pathogenic. Last evaluated: 2023-12-31. Review status: criteria provided, single submitter. Criteria: Invitae Variant Classification Sherloc (09022015). Collection method: clinical testing. Allele origin: germline.
Comment: This sequence change replaces valine, which is neutral and non-polar, with glutamic acid, which is acidic and polar, at codon 377 of the TYR protein (p.Val377Glu). This variant is not present in population databases (gnomAD no frequency). This missense change has been observed in individuals with albinism (PMID: 34838614). Advanced modeling of protein sequence and biophysical properties (such as structural, functional, and spatial information, amino acid conservation, physicochemical variation, residue mobility, and thermodynamic stability) performed at Invitae indicates that this missense variant is expected to disrupt TYR protein function with a positive predictive value of 80%. For these reasons, this variant has been classified as Pathogenic.

Juno Genomics, Hangzhou Juno Genomics, Inc
Classification: Uncertain significance for Oculocutaneous albinism type 1A; Oculocutaneous albinism type 1B; SKIN/HAIR/EYE PIGMENTATION 3, LIGHT/DARK SKIN. Review status: criteria provided, single submitter. Criteria: ACMG Guidelines, 2015. Collection method: clinical testing. Allele origin: germline. Affected: yes.
Comment: Absent from controls (or at extremely low frequency if recessive) in Genome Aggregation Database, Exome Sequencing Project, 1000 Genomes Project, or Exome Aggregation Consortium.;Multiple lines of computational evidence support a deleterious effect on the gene or gene product (conservation, evolutionary, splicing impact, etc).;For recessive disorders, detected in trans with a pathogenic variant.;Patient's phenotype or family history is highly specific for a disease with a single genetic etiology.

Literature cited by the submitters: PubMed 34838614 (cited by Myriad Genetics, Inc. and Labcorp Genetics (formerly Invitae), Labcorp); PubMed 37471664 (cited by Myriad Genetics, Inc.).